The following is an entry in ClinVar:

ClinVar aggregate classification (germline): Uncertain significance (1 of 4 stars; one submission).

Conditions:
Familial hypocalciuric hypercalcemia (FHH). Also called: Familial benign hypercalcemia. Identifiers: Orphanet 405, MedGen C1809471, MONDO:0018458.
Autosomal dominant hypocalcemia 1 (HYPOC1). Also called: HYPOCALCEMIA, FAMILIAL. Identifiers: MedGen C3715128, MONDO:0011013, OMIM 601198.

Allele frequency attached by ClinVar (database versions not stated): gnomAD exomes below 0.00001.
gnomAD v4.1: 1 of 1,614,096 alleles (0.000062%); highest among the groups gnomAD compares: East Asian, 0.0022%; no homozygotes.

Submission:

Labcorp Genetics (formerly Invitae), Labcorp
Classification: Uncertain significance for Familial hypocalciuric hypercalcemia; Autosomal dominant hypocalcemia 1. Last evaluated: 2023-04-12. Review status: criteria provided, single submitter. Criteria: Invitae Variant Classification Sherloc (09022015). Collection method: clinical testing. Allele origin: germline.
Comment: This sequence change replaces arginine, which is basic and polar, with histidine, which is basic and polar, at codon 873 of the CASR protein (p.Arg873His). This variant is not present in population databases (gnomAD no frequency). This missense change has been observed in individual(s) with clinical features of hypocalciuric hypercalcemia (PMID: 26963950). An algorithm developed to predict the effect of missense changes on protein structure and function (PolyPhen-2) suggests that this variant is likely to be disruptive. In summary, the available evidence is currently insufficient to determine the role of this variant in disease. Therefore, it has been classified as a Variant of Uncertain Significance.

Literature cited by the submitters: PubMed 26963950.

NM_000388.4(CASR):c.2618G>A (p.Arg873His)

Gene: CASR (calcium sensing receptor; plus strand). Cytogenetic location: 3q21.1.
Variant type: single nucleotide variant.
Coding change: c.2618G>A on transcript NM_000388.4 (MANE Select); coding-DNA position 2618, G replaced by A.
Protein change: p.Arg873His; replaces arginine 873 with histidine.
Molecular consequence: missense variant.
Genome position (GRCh38, 1-based): chr3:122,284,572, G>A. VCF-style: chr3-122284572-G-A. GRCh37 (hg19) VCF-style: chr3-122003419-G-A.
Other names: c.2648G>A, p.Arg883His (NM_001178065.2); short protein forms R873H, R883H.
Identifiers: ClinVar variation 2925370 (VCV002925370.3), dbSNP rs2107650838, ClinGen allele CA354160419.